The following is an entry in ClinVar:

NM_005101.4(ISG15):c.415del (p.Glu139fs)

Gene: ISG15 (ISG15 ubiquitin like modifier; plus strand). Cytogenetic location: 1p36.33.
Variant type: Deletion.
Coding change: c.415del on transcript NM_005101.4 (MANE Select); coding-DNA position 415, one base deleted (G; older notation c.415delG).
Protein change: p.Glu139fs; shifts the reading frame from glutamic acid 139.
Molecular consequence: frameshift variant.
Genome position (GRCh38, 1-based): chr1:1,014,395, G deleted; the last of 5 consecutive G bases (chr1:1,014,391-1,014,395); deleting any one gives the same sequence. VCF-style (leftmost placement, unchanged base first): chr1-1014390-TG-T. GRCh37 (hg19) VCF-style: chr1-949770-TG-T.
Other names: short protein forms E139fs.
Identifiers: ClinVar variation 1055760 (VCV001055760.7), dbSNP rs2100542316, ClinGen allele CA2499214083.

ClinVar aggregate classification (germline): Uncertain significance (1 of 4 stars; one submission).

Conditions:
Mendelian susceptibility to mycobacterial diseases due to complete ISG15 deficiency. Also called: Immunodeficiency 38; Immunodeficiency 38 with basal ganglia calcification; IMMUNODEFICIENCY 38, MYCOBACTERIOSIS, AUTOSOMAL RECESSIVE; ISG15 DEFICIENCY, AUTOSOMAL RECESSIVE. Identifiers: Orphanet 319563, MedGen C4015293, MONDO:0014502, OMIM 616126.

Submission:

Labcorp Genetics (formerly Invitae), Labcorp
Classification: Uncertain significance for Mendelian susceptibility to mycobacterial diseases due to complete ISG15 deficiency. Last evaluated: 2020-02-17. Review status: criteria provided, single submitter. Criteria: Invitae Variant Classification Sherloc (09022015). Collection method: clinical testing. Allele origin: germline.
Comment: This variant is not present in population databases (ExAC no frequency). This variant has not been reported in the literature in individuals with ISG15-related conditions. Experimental studies and prediction algorithms are not available or were not evaluated, and the functional significance of this variant is currently unknown. In summary, the available evidence is currently insufficient to determine the role of this variant in disease. Therefore, it has been classified as a Variant of Uncertain Significance. This sequence change results in a premature translational stop signal in the ISG15 gene (p.Glu139Serfs*7). While this is not anticipated to result in nonsense mediated decay, it is expected to disrupt the last 27 amino acids of the ISG15 protein.